The following is an entry in ClinVar:

ClinVar aggregate classification (germline): Uncertain significance (1 of 4 stars; one submission).

Allele frequency attached by ClinVar (database versions not stated): gnomAD exomes below 0.00001 and 0.00001.
gnomAD v4.1: 1 of 1,613,956 alleles (0.000062%); highest among the groups gnomAD compares: East Asian, 0.0022%; no homozygotes.

Submission:

Labcorp Genetics (formerly Invitae), Labcorp
Classification: Uncertain significance. Last evaluated: 2022-03-10. Review status: criteria provided, single submitter. Criteria: Invitae Variant Classification Sherloc (09022015). Collection method: clinical testing. Allele origin: germline.
Comment: This sequence change replaces proline, which is neutral and non-polar, with leucine, which is neutral and non-polar, at codon 436 of the TUBGCP4 protein (p.Pro436Leu). This variant is present in population databases (no rsID available, gnomAD 0.01%). This variant has not been reported in the literature in individuals affected with TUBGCP4-related conditions. Algorithms developed to predict the effect of missense changes on protein structure and function are either unavailable or do not agree on the potential impact of this missense change (SIFT: "Deleterious"; PolyPhen-2: "Benign"; Align-GVGD: "Class C0"). In summary, the available evidence is currently insufficient to determine the role of this variant in disease. Therefore, it has been classified as a Variant of Uncertain Significance.

NM_014444.5(TUBGCP4):c.1304C>T (p.Pro435Leu)

Gene: TUBGCP4 (tubulin gamma complex component 4; plus strand). Cytogenetic location: 15q15.3.
Variant type: single nucleotide variant.
Coding change: c.1304C>T on transcript NM_014444.5 (MANE Select); coding-DNA position 1304, C replaced by T.
Protein change: p.Pro435Leu; replaces proline 435 with leucine.
Molecular consequence: missense variant.
Genome position (GRCh38, 1-based): chr15:43,398,065, C>T. VCF-style: chr15-43398065-C-T. GRCh37 (hg19) VCF-style: chr15-43690263-C-T.
Other names: c.1307C>T, p.Pro436Leu (NM_001286414.3); short protein forms P436L, P435L.
Identifiers: ClinVar variation 1473128 (VCV001473128.5), dbSNP rs1313066706, ClinGen allele CA392132834.